The following is an entry in ClinVar:

ClinVar aggregate classification (germline): Benign. Review status: criteria provided, multiple submitters, no conflicts (2 of 4 stars). 2 submissions from 2 submitters: Benign (2). Last evaluated 2018-01-12.

Conditions:
Porphobilinogen synthase deficiency. Also called: ALAD DEFICIENCY; DELTA-AMINOLEVULINATE DEHYDRATASE DEFICIENCY; DOSS PORPHYRIA; PORPHYRIA, ALAD; Porphyria due to ALA dehydratase deficiency. Identifiers: Orphanet 100924, MedGen C0268328, MONDO:0013000, OMIM 612740.

Allele frequency attached by ClinVar (database versions not stated): gnomAD 0.56185 and 0.56706; TOPMed 0.57738; 1000 Genomes Project 0.59764; 1000 Genomes Project 30x 0.60150; gnomAD exomes 0.45472.

Submissions (2):

Illumina Laboratory Services, Illumina
Classification: Benign for Porphobilinogen synthase deficiency. Last evaluated: 2018-01-12. Review status: criteria provided, single submitter. Criteria: ICSL Variant Classification Criteria 13 December 2019. Collection method: clinical testing. Allele origin: germline.
Comment: This variant was observed in the ICSL laboratory as part of a predisposition screen in an ostensibly healthy population. It had not been previously curated by ICSL or reported in the Human Gene Mutation Database (HGMD: prior to June 1st, 2018), and was therefore a candidate for classification through an automated scoring system. Utilizing variant allele frequency, disease prevalence and penetrance estimates, and inheritance mode, an automated score was calculated to assess if this variant is too frequent to cause the disease. Based on the score and internal cut-off values, a variant classified as benign is not then subjected to further curation. The score for this variant resulted in a classification of benign for this disease.

Breakthrough Genomics
Classification: Benign. Review status: criteria provided, single submitter. Criteria: ACMG Guidelines, 2015. Collection method: not provided. Allele origin: germline. Inheritance: Autosomal recessive inheritance. Affected: yes.

NM_000031.6(ALAD):c.*471C>T

Gene: ALAD (aminolevulinate dehydratase; minus strand). Cytogenetic location: 9q32.
Variant type: single nucleotide variant.
Coding change: c.*471C>T on transcript NM_000031.6 (MANE Select); 471 bases downstream of the stop codon, C replaced by T.
Molecular consequence: 3 prime UTR variant.
Genome position (GRCh38, 1-based): chr9:113,387,829, G>A on the plus strand (C>T on the coding strand, the complement: ALAD is on the minus strand). VCF-style: chr9-113387829-G-A. GRCh37 (hg19) VCF-style: chr9-116150109-G-A.
Other names: c.*471C>T (NM_001003945.3, NM_001317745.2).
Identifiers: ClinVar variation 364632 (VCV000364632.6), dbSNP rs818708, ClinGen allele CA10626241.
Genomic context (GRCh38, chr9:113,387,829, plus strand): 5'-GAGACCTCAGGCAGCCTGGCAACCTCTGGCCTCGTGGGAAATGCCTTCCAGTGGAATTGC[G>A]GCAAATTTCAACTCTAACCCAGGGATATCGATCTAGGCCTCATTCCCACACCCAGCTCTG-3'